The following is an entry in ClinVar:

ClinVar aggregate classification (germline): Pathogenic/Likely pathogenic. Review status: criteria provided, multiple submitters, no conflicts (2 of 4 stars). 2 submissions from 2 submitters: Pathogenic (1); Likely pathogenic (1). Last evaluated 2023-06-23.

Conditions:
Polydactyly, postaxial, type A1. Identifiers: MedGen C4282400, MONDO:0008266, OMIM 174200.

Submissions (2):

GeneDx
Classification: Likely pathogenic. Last evaluated: 2023-06-23. Review status: criteria provided, single submitter. Criteria: GeneDx Variant Classification Process June 2021. Collection method: clinical testing. Allele origin: germline. Affected: yes.
Comment: Reported as c.2594C>G, p.(S865*) in a patient with bilateral hand polysyndactyly in published literature, though further clinical details and segregation data was not provided (Sczakiel et al., 2021); Nonsense variant predicted to result in protein truncation, as the last 716 amino acids are lost, and other loss-of-function variants have been reported downstream in HGMD; Not observed at significant frequency in large population cohorts (gnomAD); This variant is associated with the following publications: (PMID: 34482537)

Institute for Medical Genetics and Human Genetics, Charité - Universitätsmedizin Berlin
Classification: Pathogenic for Polydactyly, postaxial, type A1. Last evaluated: 2021-06-01. Review status: criteria provided, single submitter. Criteria: ACMG Guidelines, 2015. Collection method: research. Allele origin: germline. Inheritance: Autosomal dominant inheritance. Affected: yes. Observed: 1 heterozygote.

NM_000168.6(GLI3):c.2594C>G (p.Ser865Ter)

Gene: GLI3 (GLI family zinc finger 3; minus strand). Cytogenetic location: 7p14.1.
Variant type: single nucleotide variant.
Coding change: c.2594C>G on transcript NM_000168.6 (MANE Select); coding-DNA position 2594, C replaced by G.
Protein change: p.Ser865Ter; replaces serine 865 with a stop codon.
Molecular consequence: nonsense.
Genome position (GRCh38, 1-based): chr7:41,966,479, G>C on the plus strand (C>G on the coding strand, the complement: GLI3 is on the minus strand). VCF-style: chr7-41966479-G-C. GRCh37 (hg19) VCF-style: chr7-42006077-G-C.
Other names: c.2594C>G (NM_000168.5); short protein forms S865*.
Identifiers: ClinVar variation 1120240 (VCV001120240.3), dbSNP rs2128706319, ClinGen allele CA367320753.